The following is an entry in ClinVar:

NM_015335.5(MED13L):c.6067+5G>A

Gene: MED13L (mediator complex subunit 13L; minus strand). Cytogenetic location: 12q24.21.
Variant type: single nucleotide variant.
Coding change: c.6067+5G>A on transcript NM_015335.5 (MANE Select); 5 bases into the intron after coding-DNA position 6067, G replaced by A.
Molecular consequence: intron variant.
Genome position (GRCh38, 1-based): chr12:115,970,589, C>T on the plus strand (G>A on the coding strand, the complement: MED13L is on the minus strand). VCF-style: chr12-115970589-C-T. GRCh37 (hg19) VCF-style: chr12-116408394-C-T.
Identifiers: ClinVar variation 2582173 (VCV002582173.1), dbSNP rs2499969479, ClinGen allele CA2582341801.

ClinVar aggregate classification (germline): Uncertain significance (1 of 4 stars; one submission).

Submission:

GeneDx
Classification: Uncertain significance. Last evaluated: 2023-03-30. Review status: criteria provided, single submitter. Criteria: GeneDx Variant Classification Process June 2021. Collection method: clinical testing. Allele origin: germline. Affected: yes.
Comment: Not observed at significant frequency in large population cohorts (gnomAD); Intronic +5 splice site variant in a gene for which loss of function is a known mechanism of disease, and both splice predictors and evolutionary conservation support a deleterious effect, although in the absence of functional evidence the actual effect of this sequence change is unknown.; Has not been previously published as pathogenic or benign to our knowledge